The following is an entry in ClinVar:

ClinVar aggregate classification (germline): Uncertain significance (1 of 4 stars; one submission).

Submission:

Labcorp Genetics (formerly Invitae), Labcorp
Classification: Uncertain significance. Last evaluated: 2024-10-24. Review status: criteria provided, single submitter. Criteria: Invitae Variant Classification Sherloc (09022015). Collection method: clinical testing. Allele origin: germline.
Comment: This sequence change replaces glycine, which is neutral and non-polar, with glutamic acid, which is acidic and polar, at codon 202 of the P4HB protein (p.Gly202Glu). This variant is not present in population databases (gnomAD no frequency). This variant has not been reported in the literature in individuals affected with P4HB-related conditions. Invitae Evidence Modeling of protein sequence and biophysical properties (such as structural, functional, and spatial information, amino acid conservation, physicochemical variation, residue mobility, and thermodynamic stability) indicates that this missense variant is not expected to disrupt P4HB protein function with a negative predictive value of 80%. In summary, the available evidence is currently insufficient to determine the role of this variant in disease. Therefore, it has been classified as a Variant of Uncertain Significance.

NM_000918.4(P4HB):c.605G>A (p.Gly202Glu)

Gene: P4HB (prolyl 4-hydroxylase subunit beta; minus strand). Cytogenetic location: 17q25.3.
Variant type: single nucleotide variant.
Coding change: c.605G>A on transcript NM_000918.4 (MANE Select); coding-DNA position 605, G replaced by A.
Protein change: p.Gly202Glu; replaces glycine 202 with glutamic acid.
Molecular consequence: missense variant.
Genome position (GRCh38, 1-based): chr17:81,855,161, C>T on the plus strand (G>A on the coding strand, the complement: P4HB is on the minus strand). VCF-style: chr17-81855161-C-T. GRCh37 (hg19) VCF-style: chr17-79813037-C-T.
Other names: short protein forms G202E.
Identifiers: ClinVar variation 3682898 (VCV003682898.2).
Genomic context (GRCh38, chr17:81,855,161, plus strand): 5'-CCCCAGAACTAACCTGGGCAGAGCTGCCTGGGGCCACTCACCTTCTTAAAGAGGACAACC[C>T]CATCTTTGTCGAGCTGGTATTTGGAGAACACGTCACTGTTGGAAGTGATCCCAAATGGTA-3'
Protein context (NP_000909.2, residues 192-212): VFSKYQLDKD[Gly202Glu]VVLFKKFDEG